The following is an entry in ClinVar:

ClinVar aggregate classification (germline): Conflicting classifications of pathogenicity. Review status: criteria provided, conflicting classifications (1 of 4 stars). 3 submissions from 3 submitters: Uncertain significance (2); Likely benign (1). Last evaluated 2025-08-28.

Conditions:
Hereditary cancer-predisposing syndrome. Also called: Hereditary neoplastic syndrome; Hereditary Cancer Syndrome; Neoplastic Syndromes, Hereditary; Tumor predisposition. Identifiers: Orphanet 140162, MedGen C0027672, MeSH D009386, MONDO:0015356.
Chuvash polycythemia. Also called: POLYCYTHEMIA, VHL-DEPENDENT. Identifiers: Orphanet 238557, MedGen C1837915, MONDO:0009892, OMIM 263400.
Von Hippel-Lindau syndrome (VHLS). Also called: Von Hippel-Lindau; von Hippel–Lindau syndrome; VHL syndrome. Identifiers: Orphanet 892, MedGen C0019562, MONDO:0008667, OMIM 193300. Disease mechanism: loss of function.

gnomAD v4.1: 1 of 1,614,190 alleles (0.000062%); highest among the groups gnomAD compares: Non-Finnish European, 0.000085%; no homozygotes.

Submissions (3):

Ambry Genetics
Classification: Likely benign for Hereditary cancer-predisposing syndrome. Last evaluated: 2025-08-28. Review status: criteria provided, single submitter. Criteria: Ambry Variant Classification Scheme 2023. Collection method: clinical testing. Allele origin: germline.

All of Us Research Program, National Institutes of Health
Classification: Uncertain significance for Von Hippel-Lindau syndrome. Last evaluated: 2023-11-30. Review status: criteria provided, single submitter. Criteria: ACMG Guidelines, 2015. Collection method: clinical testing. Allele origin: germline. Inheritance: Autosomal dominant inheritance. Observed: 2 variant alleles, 2 heterozygotes.
Comment: This missense variant replaces arginine with methionine at codon 182 of the VHL protein. Computational prediction is inconclusive regarding the impact of this variant on protein structure and function (internally defined REVEL score threshold 0.5 < inconclusive < 0.7, PMID: 27666373). To our knowledge, functional studies have not been reported for this variant. This variant has not been reported in individuals affected with VHL-related disorders in the literature. This variant has not been identified in the general population by the Genome Aggregation Database (gnomAD). The available evidence is insufficient to determine the role of this variant in disease conclusively. Therefore, this variant is classified as a Variant of Uncertain Significance.

This study involves interpretation of variants in research participants for the purpose of population health screening. Participant phenotype was not available at the time of variant classification. Additional details can be found in publication PMID: 35346344, PMCID: PMC8962531

Labcorp Genetics (formerly Invitae), Labcorp
Classification: Uncertain significance for Von Hippel-Lindau syndrome; Chuvash polycythemia. Last evaluated: 2021-01-30. Review status: criteria provided, single submitter. Criteria: Invitae Variant Classification Sherloc (09022015). Collection method: clinical testing. Allele origin: germline.
Comment: In summary, the available evidence is currently insufficient to determine the role of this variant in disease. Therefore, it has been classified as a Variant of Uncertain Significance. Advanced modeling of protein sequence and biophysical properties (such as structural, functional, and spatial information, amino acid conservation, physicochemical variation, residue mobility, and thermodynamic stability) performed at Invitae indicates that this missense variant is expected to disrupt VHL protein function. This variant has not been reported in the literature in individuals with VHL-related conditions. This variant is not present in population databases (ExAC no frequency). This sequence change replaces arginine with methionine at codon 182 of the VHL protein (p.Arg182Met). The arginine residue is moderately conserved and there is a moderate physicochemical difference between arginine and methionine.

Literature cited by the submitters: PubMed 38969834 (cited by Ambry Genetics).

NM_000551.4(VHL):c.545G>T (p.Arg182Met)

Genes: VHL (von Hippel-Lindau tumor suppressor; plus strand), LOC107303340 (3p25 von Hippel-Lindau tumor suppressor, E3 ubiquitin protein ligase Alu-mediated recombination region; plus strand). Cytogenetic location: 3p25.3.
Variant type: single nucleotide variant.
Coding change: c.545G>T on transcript NM_000551.4 (MANE Select); coding-DNA position 545, G replaced by T.
Protein change: p.Arg182Met; replaces arginine 182 with methionine.
Molecular consequence: missense variant. On other transcripts: 3 prime UTR variant (1).
Genome position (GRCh38, 1-based): chr3:10,149,868, G>T. VCF-style: chr3-10149868-G-T. GRCh37 (hg19) VCF-style: chr3-10191552-G-T.
Other names: c.545G>T (NM_000551.3); c.*99G>T (NM_001354723.2); c.422G>T, p.Arg141Met (NM_198156.3); short protein forms R141M, R182M.
Identifiers: ClinVar variation 1368873 (VCV001368873.10), dbSNP rs749774529, ClinGen allele CA351756317.